The following is an entry in ClinVar:

NM_018833.3(TAP2):c.*7A>G

Gene: TAP2 (transporter 2, ATP binding cassette subfamily B member; minus strand). Cytogenetic location: 6p21.32.
Variant type: single nucleotide variant.
Coding change: c.*7A>G on transcript NM_018833.3; 7 bases downstream of the stop codon, A replaced by G.
Molecular consequence: 3 prime UTR variant.
Genome position (GRCh38, 1-based): chr6:32,822,282, T>C on the plus strand (A>G on the coding strand, the complement: TAP2 is on the minus strand). VCF-style: chr6-32822282-T-C. GRCh37 (hg19) VCF-style: chr6-32790059-T-C.
Identifiers: ClinVar variation 3060503 (VCV003060503.3), dbSNP rs2857105, ClinGen allele CA3745696.

ClinVar aggregate classification (germline): Benign (0 of 4 stars; one submission).

Conditions:
TAP2-related disorder. Also called: TAP2-related condition.

Allele frequency attached by ClinVar (database versions not stated): gnomAD exomes 0.03425; TOPMed 0.04457; 1000 Genomes Project 0.03235; 1000 Genomes Project 30x 0.03467; ESP Exome Variant Server 0.03908; gnomAD 0.03720; ExAC 0.03846.
gnomAD v4.1: 53,477 of 1,550,926 alleles (3.4%); highest among the groups gnomAD compares: Admixed American, 4.8%; 1,122 homozygotes.

Submissions (11):

PreventionGenetics, part of Exact Sciences
Classification: Benign for TAP2-related condition. Last evaluated: 2019-04-29. Review status: no assertion criteria provided. Collection method: clinical testing. Allele origin: germline.
Comment: This variant is classified as benign based on ACMG/AMP sequence variant interpretation guidelines (Richards et al. 2015 PMID: 25741868, with internal and published modifications).

Dr. Peter K. Rogan Lab, Western University
No classification provided (evidence only). Condition: Melanoma. Review status: no classification provided. Collection method: in vitro. Allele origin: not applicable. Functional consequence: retained intron. Not counted in ClinVar's aggregate classification.

Dr. Peter K. Rogan Lab, Western University
No classification provided (evidence only). Condition: Melanoma. Review status: no classification provided. Collection method: in vitro. Allele origin: not applicable. Functional consequence: retained intron. Not counted in ClinVar's aggregate classification.

Dr. Peter K. Rogan Lab, Western University
No classification provided (evidence only). Condition: Melanoma. Review status: no classification provided. Collection method: in vitro. Allele origin: not applicable. Functional consequence: retained intron. Not counted in ClinVar's aggregate classification.

Dr. Peter K. Rogan Lab, Western University
No classification provided (evidence only). Condition: Cervical cancer. Review status: no classification provided. Collection method: in vitro. Allele origin: not applicable. Functional consequence: retained intron. Not counted in ClinVar's aggregate classification.

Dr. Peter K. Rogan Lab, Western University
No classification provided (evidence only). Condition: Malignant lymphoma, large B-cell, diffuse. Review status: no classification provided. Collection method: in vitro. Allele origin: not applicable. Functional consequence: retained intron. Not counted in ClinVar's aggregate classification.

Dr. Peter K. Rogan Lab, Western University
No classification provided (evidence only). Condition: Cholangiocarcinoma. Review status: no classification provided. Collection method: in vitro. Allele origin: not applicable. Functional consequence: retained intron. Not counted in ClinVar's aggregate classification.

Dr. Peter K. Rogan Lab, Western University
No classification provided (evidence only). Condition: Uterine carcinosarcoma. Review status: no classification provided. Collection method: in vitro. Allele origin: not applicable. Functional consequence: retained intron. Not counted in ClinVar's aggregate classification.

Dr. Peter K. Rogan Lab, Western University
No classification provided (evidence only). Condition: Uterine carcinosarcoma. Review status: no classification provided. Collection method: in vitro. Allele origin: not applicable. Functional consequence: retained intron. Not counted in ClinVar's aggregate classification.

Dr. Peter K. Rogan Lab, Western University
No classification provided (evidence only). Condition: Uveal melanoma. Review status: no classification provided. Collection method: in vitro. Allele origin: not applicable. Functional consequence: retained intron. Not counted in ClinVar's aggregate classification.

Dr. Peter K. Rogan Lab, Western University
No classification provided (evidence only). Condition: Malignant tumor of esophagus. Review status: no classification provided. Collection method: in vitro. Allele origin: not applicable. Functional consequence: retained intron. Not counted in ClinVar's aggregate classification.